The following is an entry in ClinVar:

ClinVar aggregate classification (germline): Uncertain significance. Review status: criteria provided, multiple submitters, no conflicts (2 of 4 stars). 3 submissions from 3 submitters: Uncertain significance (3). Last evaluated 2026-04-13.

Conditions:
Hereditary cancer-predisposing syndrome. Also called: Hereditary Cancer Syndrome; Neoplastic Syndromes, Hereditary; Tumor predisposition; Hereditary neoplastic syndrome. Identifiers: Orphanet 140162, MedGen C0027672, MeSH D009386, MONDO:0015356.

Submissions (3):

Ambry Genetics
Classification: Uncertain significance for Hereditary cancer-predisposing syndrome. Last evaluated: 2026-04-13. Review status: criteria provided, single submitter. Criteria: Ambry Variant Classification Scheme 2023. Collection method: clinical testing. Allele origin: germline.
Comment: The c.682_684dupTAC variant (also known as p.Y228dup), located in coding exon 7 of the POLE gene, results from an in-frame duplication of TAC at nucleotide positions 682 to 684. This results in the duplication of a tyrosine residue at codon 228. This amino acid position is highly conserved in available vertebrate species. In addition, this variant is predicted to be deleterious by in silico analysis (Choi Y et al. PLoS ONE. 2012; 7(10):e46688). Based on the available evidence, the clinical significance of this variant remains unclear.

Labcorp Genetics (formerly Invitae), Labcorp
Classification: Uncertain significance. Last evaluated: 2025-01-21. Review status: criteria provided, single submitter. Criteria: Invitae Variant Classification Sherloc (09022015). Collection method: clinical testing. Allele origin: germline.
Comment: This variant, c.682_684dup, results in the insertion of 1 amino acid(s) of the POLE protein (p.Tyr228dup), but otherwise preserves the integrity of the reading frame. This variant is present in population databases (no rsID available, gnomAD 0.0009%). This variant has not been reported in the literature in individuals affected with POLE-related conditions. ClinVar contains an entry for this variant (Variation ID: 935403). Experimental studies and prediction algorithms are not available or were not evaluated, and the functional significance of this variant is currently unknown. In summary, the available evidence is currently insufficient to determine the role of this variant in disease. Therefore, it has been classified as a Variant of Uncertain Significance.

Sema4
Classification: Uncertain significance for Hereditary cancer-predisposing syndrome. Last evaluated: 2021-05-17. Review status: criteria provided, single submitter. Criteria: Sema4 Curation Guidelines. Collection method: curation. Allele origin: germline.
Comment: The POLE c.682_684dupTAC (p.Y228dup) variant has not been reported in the literature to our knowledge. It was observed in 1/113712 chromosomes of the European (non-Finnish) subpopulation in the large and broad cohorts of the Genome Aggregation Database (PMID: 32461654) and has been reported in ClinVar (Variation ID: 935403). The evidence is insufficient to meet ACMG/AMP criteria for classifying the variant as benign or pathogenic. Thus, the clinical significance of this variant is currently uncertain.

NM_006231.4(POLE):c.682_684dup (p.Tyr228dup)

Gene: POLE (DNA polymerase epsilon, catalytic subunit; minus strand). Cytogenetic location: 12q24.33.
Variant type: Duplication.
Coding change: c.682_684dup on transcript NM_006231.4 (MANE Select); coding-DNA positions 682 to 684, 3 bases duplicated (TAC; older notation c.682_684dupTAC).
Protein change: p.Tyr228dup; duplicates tyrosine 228.
Molecular consequence: inframe insertion.
Genome position (GRCh38, 1-based): chr12:132,677,614-132,677,616, GTA duplicated on the plus strand (TAC on the coding strand, the reverse complement: POLE is on the minus strand); duplicating any 3 consecutive bases within chr12:132,677,614-132,677,617 gives the same sequence; the c. name uses the placement nearest the transcript's 3' end. VCF-style (leftmost placement, unchanged base first): chr12-132677613-G-GGTA. GRCh37 (hg19) VCF-style: chr12-133254199-G-GGTA.
Other names: c.682_684dupTAC (NM_006231.3, NM_006231.2).
Identifiers: ClinVar variation 935403 (VCV000935403.12), dbSNP rs1565977938, ClinGen allele CA608514389.